The following is an entry in ClinVar:

ClinVar aggregate classification (germline): Uncertain significance (1 of 4 stars; one submission).

Conditions:
Charcot-Marie-Tooth disease axonal type 2O. Also called: Charcot-Marie-Tooth disease, axonal, type 20; Charcot-Marie-Tooth Neuropathy Type 2O; CHARCOT-MARIE-TOOTH NEUROPATHY, AXONAL, TYPE 2O; CHARCOT-MARIE-TOOTH DISEASE, AXONAL, AUTOSOMAL DOMINANT, TYPE 2O. Identifiers: Orphanet 284232, MedGen C3280220, MONDO:0013644, OMIM 614228.

gnomAD v4.1: 1 of 1,613,994 alleles (0.000062%); highest among the groups gnomAD compares: Non-Finnish European, 0.000085%; no homozygotes.

Submission:

Labcorp Genetics (formerly Invitae), Labcorp
Classification: Uncertain significance for Charcot-Marie-Tooth disease axonal type 2O. Last evaluated: 2023-08-10. Review status: criteria provided, single submitter. Criteria: Invitae Variant Classification Sherloc (09022015). Collection method: clinical testing. Allele origin: germline.
Comment: This sequence change falls in intron 59 of the DYNC1H1 gene. It does not directly change the encoded amino acid sequence of the DYNC1H1 protein. This variant is not present in population databases (gnomAD no frequency). This variant has not been reported in the literature in individuals affected with DYNC1H1-related conditions. ClinVar contains an entry for this variant (Variation ID: 1412324). Algorithms developed to predict the effect of sequence changes on RNA splicing suggest that this variant may disrupt the consensus splice site. In summary, the available evidence is currently insufficient to determine the role of this variant in disease. Therefore, it has been classified as a Variant of Uncertain Significance.

NM_001376.5(DYNC1H1):c.11207-19G>T

Gene: DYNC1H1 (dynein cytoplasmic 1 heavy chain 1; plus strand). Cytogenetic location: 14q32.31.
Variant type: single nucleotide variant.
Coding change: c.11207-19G>T on transcript NM_001376.5 (MANE Select); 19 bases into the intron before coding-DNA position 11207, G replaced by T.
Molecular consequence: intron variant.
Genome position (GRCh38, 1-based): chr14:102,038,982, G>T. VCF-style: chr14-102038982-G-T. GRCh37 (hg19) VCF-style: chr14-102505319-G-T.
Identifiers: ClinVar variation 1412324 (VCV001412324.6), dbSNP rs2048610504, ClinGen allele CA2573150383.